The following is an entry in ClinVar:

NM_024675.4(PALB2):c.325C>G (p.Pro109Ala)

Gene: PALB2 (partner and localizer of BRCA2; minus strand). Cytogenetic location: 16p12.2.
Variant type: single nucleotide variant.
Coding change: c.325C>G on transcript NM_024675.4 (MANE Select); coding-DNA position 325, C replaced by G.
Protein change: p.Pro109Ala; replaces proline 109 with alanine.
Molecular consequence: missense variant.
Genome position (GRCh38, 1-based): chr16:23,636,221, G>C on the plus strand (C>G on the coding strand, the complement: PALB2 is on the minus strand). VCF-style: chr16-23636221-G-C. GRCh37 (hg19) VCF-style: chr16-23647542-G-C.
Other names: short protein forms P109A.
Identifiers: ClinVar variation 530064 (VCV000530064.10), dbSNP rs1555461831, ClinGen allele CA395138753.
Genomic context (GRCh38, chr16:23,636,221, plus strand): 5'-GAAAATGTTCTTGGGTGTCATCTGTTCTTTGTATAGGTAATCCTCCTGGGCCATCTCCAG[G>C]GTTAAAGGACTCAGGCCCAACATCAAGTGTGATAGATGTCTTTTCTCCAGTTTCTTCATC-3'
Protein context (NP_078951.2, residues 99-119): TLDVGPESFN[Pro109Ala]GDGPGGLPIQ

ClinVar aggregate classification (germline): Uncertain significance. Review status: criteria provided, multiple submitters, no conflicts (2 of 4 stars). 2 submissions from 2 submitters: Uncertain significance (2). Last evaluated 2025-05-12.

Conditions:
Hereditary cancer-predisposing syndrome. Also called: Hereditary neoplastic syndrome; Neoplastic Syndromes, Hereditary; Hereditary Cancer Syndrome; Tumor predisposition. Identifiers: Orphanet 140162, MedGen C0027672, MeSH D009386, MONDO:0015356.
Familial cancer of breast. Also called: BREAST CANCER, FAMILIAL; Hereditary breast cancer; hereditary breast carcinoma. Identifiers: Orphanet 227535, MedGen C0346153, MONDO:0016419, OMIM 114480. Disease mechanism: loss of function.

Submissions (2):

Color Diagnostics, LLC DBA Color Health
Classification: Uncertain significance for Hereditary cancer-predisposing syndrome. Last evaluated: 2025-05-12. Review status: criteria provided, single submitter. Criteria: ACMG Guidelines, 2015. Collection method: clinical testing. Allele origin: germline.
Comment: This missense variant replaces proline with alanine at codon 109 of the PALB2 protein. Computational prediction suggests that this variant may not impact protein structure and function. To our knowledge, functional studies have not been reported for this variant. This variant has not been reported in individuals affected with PALB2-related disorders in the literature. This variant has not been identified in the general population by the Genome Aggregation Database (gnomAD). The available evidence is insufficient to determine the role of this variant in disease conclusively. Therefore, this variant is classified as a Variant of Uncertain Significance.

Labcorp Genetics (formerly Invitae), Labcorp
Classification: Uncertain significance for Familial cancer of breast. Last evaluated: 2017-12-12. Review status: criteria provided, single submitter. Criteria: Invitae Variant Classification Sherloc (09022015). Collection method: clinical testing. Allele origin: germline.
Comment: This sequence change replaces proline with alanine at codon 109 of the PALB2 protein (p.Pro109Ala). The proline residue is weakly conserved and there is a small physicochemical difference between proline and alanine. This variant is not present in population databases (ExAC no frequency). This variant has not been reported in the literature in individuals with PALB2-related disease. Algorithms developed to predict the effect of missense changes on protein structure and function output the following: SIFT: "Tolerated"; PolyPhen-2: "Benign"; Align-GVGD: "Class C0". The alanine amino acid residue is found in multiple mammalian species, suggesting that this missense change does not adversely affect protein function. These predictions have not been confirmed by published functional studies and their clinical significance is uncertain. In summary, the available evidence is currently insufficient to determine the role of this variant in disease. Therefore, it has been classified as a Variant of Uncertain Significance.